The following is an entry in ClinVar:

ClinVar aggregate classification (germline): Benign/Likely benign. Review status: criteria provided, multiple submitters, no conflicts (2 of 4 stars). 2 submissions from 2 submitters: Benign (1); Likely benign (1). Last evaluated 2024-09-24.

Conditions:
Hereditary cancer-predisposing syndrome. Also called: Neoplastic Syndromes, Hereditary; Tumor predisposition; Hereditary neoplastic syndrome; Hereditary Cancer Syndrome. Identifiers: Orphanet 140162, MedGen C0027672, MeSH D009386, MONDO:0015356.
Hereditary diffuse gastric adenocarcinoma (HDGC). Also called: DIFFUSE GASTRIC AND LOBULAR BREAST CANCER SYNDROME. Identifiers: Orphanet 26106, MedGen C1708349, MONDO:0007648, OMIM 137215.

Submissions (2):

Myriad Genetics, Inc.
Classification: Benign for Hereditary diffuse gastric adenocarcinoma. Last evaluated: 2024-09-24. Review status: criteria provided, single submitter. Criteria: Myriad Autosomal Dominant, Autosomal Recessive and X-Linked Classification Criteria (2023). Collection method: clinical testing. Allele origin: unknown.
Comment: This variant is considered benign. This variant is a silent/synonymous amino acid change and it is not expected to impact splicing.

Ambry Genetics
Classification: Likely benign for Hereditary cancer-predisposing syndrome. Last evaluated: 2022-01-31. Review status: criteria provided, single submitter. Criteria: Ambry Variant Classification Scheme 2023. Collection method: clinical testing. Allele origin: germline.

NM_004360.5(CDH1):c.2649G>A (p.Ter883=)

Gene: CDH1 (cadherin 1; plus strand). Cytogenetic location: 16q22.1.
Variant type: single nucleotide variant.
Coding change: c.2649G>A on transcript NM_004360.5 (MANE Select); coding-DNA position 2649, G replaced by A.
Protein change: p.Ter883=.
Molecular consequence: synonymous variant.
Genome position (GRCh38, 1-based): chr16:68,833,499, G>A. VCF-style: chr16-68833499-G-A. GRCh37 (hg19) VCF-style: chr16-68867402-G-A.
Other names: c.2466G>A, p.Ter822= (NM_001317184.2); c.1101G>A, p.Ter367= (NM_001317185.2); c.684G>A, p.Ter228= (NM_001317186.2).
Identifiers: ClinVar variation 1794281 (VCV001794281.3), dbSNP rs2152144280, ClinGen allele CA496393239.